The following is an entry in ClinVar:

ClinVar aggregate classification (germline): Uncertain significance. Review status: criteria provided, multiple submitters, no conflicts (2 of 4 stars). 2 submissions from 2 submitters: Uncertain significance (2). Last evaluated 2025-11-10.

Conditions:
Dihydropyrimidine dehydrogenase deficiency (DPYDD). Also called: DPD DEFICIENCY; DPYD DEFICIENCY; Hereditary Thymine-Uraciluria. Identifiers: Orphanet 1675, MedGen C1959620, MONDO:0010130, OMIM 274270.

gnomAD v4.1: 27 of 1,614,132 alleles (0.0017%); highest among the groups gnomAD compares: Admixed American, 0.012%; no homozygotes.

Submissions (2):

Myriad Genetics, Inc.
Classification: Uncertain significance for Dihydropyrimidine dehydrogenase deficiency. Last evaluated: 2025-11-10. Review status: criteria provided, single submitter. Criteria: Myriad Autosomal Dominant, Autosomal Recessive and X-Linked Classification Criteria (2023). Collection method: clinical testing. Allele origin: unknown.
Comment: NM_000110.3(DPYD):c.2324T>G(L775W) is a missense variant classified as a variant of uncertain significance in the context of dihydropyrimidine dehydrogenase deficiency. L775W has been observed in a case with relevant disease (PMID: 34959317). Relevant functional assessments of this variant are not available in the literature. L775W has been observed in referenced population frequency databases. In summary, there is insufficient evidence to classify NM_000110.3(DPYD):c.2324T>G(L775W) as pathogenic or benign. Please note: this variant was assessed in the context of healthy population screening.

Blueprint Genetics
Classification: Uncertain significance. Last evaluated: 2021-05-25. Review status: criteria provided, single submitter. Criteria: ACMG Guidelines, 2015. Collection method: clinical testing. Allele origin: germline.

Literature cited by the submitters: PubMed 34959317 (cited by Myriad Genetics, Inc.).

NM_000110.4(DPYD):c.2324T>G (p.Leu775Trp)

Genes: DPYD (dihydropyrimidine dehydrogenase; minus strand), DPYD-AS1 (DPYD antisense RNA 1; plus strand). Cytogenetic location: 1p21.3.
Variant type: single nucleotide variant.
Coding change: c.2324T>G on transcript NM_000110.4 (MANE Select); coding-DNA position 2324, T replaced by G.
Protein change: p.Leu775Trp; replaces leucine 775 with tryptophan.
Molecular consequence: missense variant.
Genome position (GRCh38, 1-based): chr1:97,234,970, A>C on the plus strand (T>G on the coding strand, the complement: DPYD is on the minus strand). VCF-style: chr1-97234970-A-C. GRCh37 (hg19) VCF-style: chr1-97700526-A-C.
Other names: short protein forms L775W.
Identifiers: ClinVar variation 4901733 (VCV004901733.2).